The following is an entry in ClinVar:

NM_022437.3(ABCG8):c.965-1G>C

Gene: ABCG8 (ATP binding cassette subfamily G member 8; plus strand). Cytogenetic location: 2p21.
Variant type: single nucleotide variant.
Coding change: c.965-1G>C on transcript NM_022437.3 (MANE Select); the canonical splice acceptor site of the intron before coding-DNA position 965, G replaced by C.
Molecular consequence: splice acceptor variant.
Genome position (GRCh38, 1-based): chr2:43,871,975, G>C. VCF-style: chr2-43871975-G-C. GRCh37 (hg19) VCF-style: chr2-44099114-G-C.
Other names: c.965-1G>C (NM_001357321.2).
Identifiers: ClinVar variation 546173 (VCV000546173.30), dbSNP rs957176669, ClinGen allele CA46464948.
Genomic context (GRCh38, chr2:43,871,975, plus strand): 5'-TTCACCTGTGAGCAGGTGCCAGGGAACAGGCCACCTGTGACTCCACATCCCCTGCTTGCA[G>C]TGGACCTGACCAGCATTGACAGGCGCAGCAGAGAGCAGGAATTGGCCACCAGGGAGAAGG-3'

ClinVar aggregate classification (germline): Pathogenic. Review status: criteria provided, multiple submitters, no conflicts (2 of 4 stars). 10 submissions from 10 submitters: Pathogenic (8). 2 of the submissions do not count toward it. Last evaluated 2026-01-17.

Conditions:
Sitosterolemia 1. Identifiers: MedGen C2749759, MONDO:0020747, OMIM 210250.
ABCG8-related disorder. Also called: ABCG8-related condition.

Allele frequency attached by ClinVar (database versions not stated): gnomAD exomes below 0.00001 and 0.00001.
gnomAD v4.1: 8 of 1,614,050 alleles (0.0005%); highest among the groups gnomAD compares: Middle Eastern, 0.099%; no homozygotes.

Submissions (10):

GeneDx
Classification: Pathogenic. Last evaluated: 2026-01-17. Review status: criteria provided, single submitter. Criteria: GeneDx Variant Classification Process June 2021. Collection method: clinical testing. Allele origin: germline. Affected: yes.
Comment: Canonical splice site variant predicted to result in a null allele in a gene for which loss of function is a known mechanism of disease; Not observed at significant frequency in large population cohorts (gnomAD); This variant is associated with the following publications: (PMID: 39569808, 37647632, 32088153, 36703223, 28739549, 29174072)

PreventionGenetics, part of Exact Sciences
Classification: Pathogenic for ABCG8-related condition. Last evaluated: 2025-11-13. Review status: criteria provided, single submitter. Criteria: ACMG Guidelines, 2015. Collection method: clinical testing. Allele origin: germline.
Comment: The ABCG8 c.965-1G>C variant is predicted to disrupt the AG splice acceptor site and interfere with normal splicing. This variant has been reported in a family where the homozygous individuals had sitosterolemia and the heterozygous individuals had isolated xanthelasmas (Bardawil et al. 2017. PubMed ID: 28739549). This variant has also been reported in the homozygous state in an unrelated individual with sitosterolemia (Table S6, El Naofal et al. 2023. PubMed ID: 36703223). This variant was reported in a cohort study of hypercholesterolemia (Reeskamp et al. 2020. PubMed ID: 32088153). This variant is reported in 0.00088% of alleles in individuals of European (Non-Finnish) descent in gnomAD. Variants that disrupt the consensus splice acceptor site in ABCG8 are expected to be pathogenic. This variant is interpreted as pathogenic for autosomal recessive disease.

First Genomix Gene Laboratory, Genetic Diagnostics Department
Classification: Pathogenic for Sitosterolemia 1. Last evaluated: 2025-03-17. Review status: criteria provided, single submitter. Criteria: ACMG Guidelines, 2015. Collection method: clinical testing. Allele origin: germline. Inheritance: Autosomal recessive inheritance. Affected: no. Observed: 1 variant allele.

Dubai Health Genomic Medicine Center, Dubai Health
Classification: Pathogenic for Sitosterolemia 1. Last evaluated: 2024-10-04. Review status: criteria provided, single submitter. Criteria: ACMG Guidelines, 2015. Collection method: research. Allele origin: germline. Affected: yes.
Comment: PVS1, PM2, PM5

Genomic Medicine Center of Excellence, King Faisal Specialist Hospital and Research Centre
Classification: Pathogenic for Sitosterolemia 1. Last evaluated: 2024-03-14. Review status: criteria provided, single submitter. Criteria: ACMG Guidelines, 2015. Collection method: clinical testing. Allele origin: germline.

Revvity Omics, Revvity
Classification: Pathogenic for Sitosterolemia 1. Last evaluated: 2023-08-02. Review status: criteria provided, single submitter. Criteria: ACMG Guidelines, 2015. Collection method: clinical testing. Allele origin: germline.

Labcorp Genetics (formerly Invitae), Labcorp
Classification: Pathogenic. Last evaluated: 2022-02-10. Review status: criteria provided, single submitter. Criteria: Invitae Variant Classification Sherloc (09022015). Collection method: clinical testing. Allele origin: germline.
Comment: For these reasons, this variant has been classified as Pathogenic. Algorithms developed to predict the effect of sequence changes on RNA splicing suggest that this variant may disrupt the consensus splice site. ClinVar contains an entry for this variant (Variation ID: 546173). Disruption of this splice site has been observed in individual(s) with ABCG8-related conditions (PMID: 28739549, 32088153, 32166861). In at least one individual the data is consistent with being in trans (on the opposite chromosome) from a pathogenic variant. This variant is present in population databases (no rsID available, gnomAD 0.0009%). This sequence change affects an acceptor splice site in intron 6 of the ABCG8 gene. It is expected to disrupt RNA splicing. Variants that disrupt the donor or acceptor splice site typically lead to a loss of protein function (PMID: 16199547), and loss-of-function variants in ABCG8 are known to be pathogenic (PMID: 11452359, 15375183, 16029460).

Eurofins Ntd Llc (ga)
Classification: Pathogenic. Last evaluated: 2018-01-29. Review status: criteria provided, single submitter. Criteria: EGL Classification Definitions 2015. Collection method: clinical testing. Allele origin: germline. Observed: 1 variant allele, 1 heterozygote.

Clinical Genetics, Academic Medical Center
Classification: Pathogenic. Review status: no assertion criteria provided. Collection method: clinical testing. Allele origin: germline. Affected: yes. Study: VKGL Data-share Consensus. Not counted in ClinVar's aggregate classification.

Joint Genome Diagnostic Labs from Nijmegen and Maastricht, Radboudumc and MUMC+
Classification: Likely pathogenic. Review status: no assertion criteria provided. Collection method: clinical testing. Allele origin: germline. Affected: yes. Study: VKGL Data-share Consensus. Not counted in ClinVar's aggregate classification.

Literature cited by the submitters: PubMed 28739549 (cited by Labcorp Genetics (formerly Invitae), Labcorp); PubMed 32088153 (cited by Labcorp Genetics (formerly Invitae), Labcorp); PubMed 32166861 (cited by Labcorp Genetics (formerly Invitae), Labcorp); PubMed 16199547 (cited by Labcorp Genetics (formerly Invitae), Labcorp); PubMed 11452359 (cited by Labcorp Genetics (formerly Invitae), Labcorp); PubMed 15375183 (cited by Labcorp Genetics (formerly Invitae), Labcorp); PubMed 16029460 (cited by Labcorp Genetics (formerly Invitae), Labcorp).